The following is an entry in ClinVar:

ClinVar aggregate classification (germline): Uncertain significance. Review status: criteria provided, multiple submitters, no conflicts (2 of 4 stars). 3 submissions from 3 submitters: Uncertain significance (3). Last evaluated 2025-09-09.

Conditions:
Inborn genetic diseases. Identifiers: MedGen C0950123, MeSH D030342.

Allele frequency attached by ClinVar (database versions not stated): TOPMed 0.00002; gnomAD 0.00003 and 0.00004; gnomAD exomes 0.00004; ESP Exome Variant Server 0.00008.
gnomAD v4.1: 62 of 1,560,160 alleles (0.004%); highest among the groups gnomAD compares: Non-Finnish European, 0.0049%; no homozygotes.

Submissions (3):

Ambry Genetics
Classification: Uncertain significance for Inborn genetic diseases. Last evaluated: 2025-09-09. Review status: criteria provided, single submitter. Criteria: Ambry Variant Classification Scheme 2023. Collection method: clinical testing. Allele origin: germline.

Labcorp Genetics (formerly Invitae), Labcorp
Classification: Uncertain significance. Last evaluated: 2024-11-05. Review status: criteria provided, single submitter. Criteria: Invitae Variant Classification Sherloc (09022015). Collection method: clinical testing. Allele origin: germline.
Comment: This sequence change replaces serine, which is neutral and polar, with asparagine, which is neutral and polar, at codon 611 of the MYO7A protein (p.Ser611Asn). This variant is present in population databases (rs376209372, gnomAD no frequency). This variant has not been reported in the literature in individuals affected with MYO7A-related conditions. ClinVar contains an entry for this variant (Variation ID: 1463810). Invitae Evidence Modeling of protein sequence and biophysical properties (such as structural, functional, and spatial information, amino acid conservation, physicochemical variation, residue mobility, and thermodynamic stability) indicates that this missense variant is expected to disrupt MYO7A protein function with a positive predictive value of 95%. In summary, the available evidence is currently insufficient to determine the role of this variant in disease. Therefore, it has been classified as a Variant of Uncertain Significance.

Blueprint Genetics
Classification: Uncertain significance. Last evaluated: 2018-10-19. Review status: criteria provided, single submitter. Criteria: ACMG Guidelines, 2015. Collection method: clinical testing. Allele origin: germline.

NM_000260.4(MYO7A):c.1832G>A (p.Ser611Asn)

Gene: MYO7A (myosin VIIA; plus strand). Cytogenetic location: 11q13.5.
Variant type: single nucleotide variant.
Coding change: c.1832G>A on transcript NM_000260.4 (MANE Select); coding-DNA position 1832, G replaced by A.
Protein change: p.Ser611Asn; replaces serine 611 with asparagine.
Molecular consequence: missense variant.
Genome position (GRCh38, 1-based): chr11:77,172,782, G>A. VCF-style: chr11-77172782-G-A. GRCh37 (hg19) VCF-style: chr11-76883828-G-A.
Other names: c.1832G>A (NM_000260.3); c.1832G>A, p.Ser611Asn (NM_001127180.2); c.1799G>A, p.Ser600Asn (NM_001369365.1); short protein forms S600N, S611N.
Identifiers: ClinVar variation 1463810 (VCV001463810.7), dbSNP rs376209372, ClinGen allele CA6197625.